The following is an entry in ClinVar:

ClinVar aggregate classification (germline): Conflicting classifications of pathogenicity. Review status: criteria provided, conflicting classifications (1 of 4 stars). 2 submissions from 2 submitters: Uncertain significance (1); Likely benign (1). Last evaluated 2025-05-13.

Conditions:
Neuroblastoma, susceptibility to, 3. Also called: ALK-Related Neuroblastic Tumor Susceptibility. Identifiers: Orphanet 635, MedGen C2751681, MONDO:0013083, OMIM 613014.
Hereditary cancer-predisposing syndrome. Also called: Hereditary neoplastic syndrome; Tumor predisposition; Neoplastic Syndromes, Hereditary; Hereditary Cancer Syndrome. Identifiers: Orphanet 140162, MedGen C0027672, MeSH D009386, MONDO:0015356.

Submissions (2):

Ambry Genetics
Classification: Likely benign for Hereditary cancer-predisposing syndrome. Last evaluated: 2025-05-13. Review status: criteria provided, single submitter. Criteria: Ambry Variant Classification Scheme 2023. Collection method: clinical testing. Allele origin: germline.

Labcorp Genetics (formerly Invitae), Labcorp
Classification: Uncertain significance for Neuroblastoma, susceptibility to, 3. Last evaluated: 2019-01-13. Review status: criteria provided, single submitter. Criteria: Invitae Variant Classification Sherloc (09022015). Collection method: clinical testing. Allele origin: germline.
Comment: This sequence change creates a premature translational stop signal (p.Ser895Ilefs*53) in the ALK gene. It is expected to result in an absent or disrupted protein product. This variant is not present in population databases (ExAC no frequency). This variant has not been reported in the literature in individuals with ALK-related conditions. The current clinical and genetic evidence is not sufficient to establish whether loss-of-function variants in ALK cause disease. In summary, the available evidence is currently insufficient to determine the role of this variant in disease. Therefore, it has been classified as a Variant of Uncertain Significance.

NM_004304.5(ALK):c.2682dup (p.Ser895fs)

Gene: ALK (ALK receptor tyrosine kinase; minus strand). Cytogenetic location: 2p23.2.
Variant type: Duplication.
Coding change: c.2682dup on transcript NM_004304.5 (MANE Select); coding-DNA position 2682, one base duplicated (A; older notation c.2682dupA).
Protein change: p.Ser895fs; shifts the reading frame from serine 895.
Molecular consequence: frameshift variant.
Genome position (GRCh38, 1-based): chr2:29,229,017, T duplicated on the plus strand (A on the coding strand, the reverse complement: ALK is on the minus strand); the first of 4 consecutive T bases (chr2:29,229,017-29,229,020); duplicating any one gives the same sequence. VCF-style (leftmost placement, unchanged base first): chr2-29229016-A-AT. GRCh37 (hg19) VCF-style: chr2-29451882-A-AT.
Other names: c.2682dupA (NM_004304.4); short protein forms S895fs.
Identifiers: ClinVar variation 861509 (VCV000861509.8), dbSNP rs1664103646, ClinGen allele CA916081307.
Genomic context (GRCh38, chr2:29,229,016, plus strand): 5'-ACCCCCACTTCTTCATGGCCTGGGGGCAGGAATGTCCTCCGGTGGCACCCTCCTGCAAAG[A>AT]TTTTCCGGCCCAGAGCAAGGAAGTGTTATCATTCCAGCCACCTCCACCACCTGCGGGAAG-3'